The following is an entry in ClinVar:

NM_001130144.3(LTBP3):c.2104G>A (p.Glu702Lys)

Gene: LTBP3 (latent transforming growth factor beta binding protein 3; minus strand). Cytogenetic location: 11q13.1.
Variant type: single nucleotide variant.
Coding change: c.2104G>A on transcript NM_001130144.3 (MANE Select); coding-DNA position 2104, G replaced by A.
Protein change: p.Glu702Lys; replaces glutamic acid 702 with lysine.
Molecular consequence: missense variant.
Genome position (GRCh38, 1-based): chr11:65,547,442, C>T on the plus strand (G>A on the coding strand, the complement: LTBP3 is on the minus strand). VCF-style: chr11-65547442-C-T. GRCh37 (hg19) VCF-style: chr11-65314913-C-T.
Other names: c.1753G>A, p.Glu585Lys (NM_001164266.1); c.2104G>A, p.Glu702Lys (NM_021070.4); short protein forms E702K, E585K.
Identifiers: ClinVar variation 2447598 (VCV002447598.4), dbSNP rs770402348, ClinGen allele CA6100747.
Genomic context (GRCh38, chr11:65,547,442, plus strand): 5'-CCCAGGTGGAGAGACAGCTAAGGAGCTCCTTCTTTGGTCTGAATGGGGTCCCCTCACCTT[C>T]GCACACAGGAGGCCGGGAGGCTTTGAGCCGGTAGCCGGGGTAGCAGTTGCACTTGTAGTG-3'
Protein context (NP_001123616.1, residues 692-712): RLKASRPPVC[Glu702Lys]DIDECRDPSS

ClinVar aggregate classification (germline): Uncertain significance. Review status: criteria provided, multiple submitters, no conflicts (2 of 4 stars). 2 submissions from 2 submitters: Uncertain significance (2). Last evaluated 2024-10-03.

Conditions:
Brachyolmia-amelogenesis imperfecta syndrome. Also called: PLATYSPONDYLY WITH AMELOGENESIS IMPERFECTA; Tooth agenesis, selective, 6; Dental anomalies and short stature. Identifiers: Orphanet 2899, MedGen C1832594, MONDO:0011018, OMIM 601216. Disease mechanism: loss of function.
Inborn genetic diseases. Identifiers: MedGen C0950123, MeSH D030342.

Allele frequency attached by ClinVar (database versions not stated): gnomAD exomes below 0.00001; ExAC 0.00001; gnomAD 0.00005; TOPMed 0.00005.
gnomAD v4.1: 11 of 1,613,458 alleles (0.00068%); highest among the groups gnomAD compares: African/African-American, 0.011%; no homozygotes.

Submissions (2):

Labcorp Genetics (formerly Invitae), Labcorp
Classification: Uncertain significance for Brachyolmia-amelogenesis imperfecta syndrome. Last evaluated: 2024-10-03. Review status: criteria provided, single submitter. Criteria: Invitae Variant Classification Sherloc (09022015). Collection method: clinical testing. Allele origin: germline.
Comment: This sequence change replaces glutamic acid, which is acidic and polar, with lysine, which is basic and polar, at codon 702 of the LTBP3 protein (p.Glu702Lys). This variant is present in population databases (rs770402348, gnomAD 0.008%). This variant has not been reported in the literature in individuals affected with LTBP3-related conditions. ClinVar contains an entry for this variant (Variation ID: 2447598). An algorithm developed to predict the effect of missense changes on protein structure and function (PolyPhen-2) suggests that this variant is likely to be tolerated. In summary, the available evidence is currently insufficient to determine the role of this variant in disease. Therefore, it has been classified as a Variant of Uncertain Significance.

Ambry Genetics
Classification: Uncertain significance for Inborn genetic diseases. Last evaluated: 2023-02-18. Review status: criteria provided, single submitter. Criteria: Ambry Variant Classification Scheme 2023. Collection method: clinical testing. Allele origin: germline.
Comment: The p.E702K variant (also known as c.2104G>A), located in coding exon 14 of the LTBP3 gene, results from a G to A substitution at nucleotide position 2104. The glutamic acid at codon 702 is replaced by lysine, an amino acid with similar properties. This amino acid position is conserved. In addition, this alteration is predicted to be tolerated by in silico analysis. Since supporting evidence is limited at this time, the clinical significance of this alteration remains unclear.